The following is an entry in ClinVar:

NM_001711.6(BGN):c.914T>C (p.Val305Ala)

Gene: BGN (biglycan; plus strand). Cytogenetic location: Xq28.
Variant type: single nucleotide variant.
Coding change: c.914T>C on transcript NM_001711.6 (MANE Select); coding-DNA position 914, T replaced by C.
Protein change: p.Val305Ala; replaces valine 305 with alanine.
Molecular consequence: missense variant.
Genome position (GRCh38, 1-based): chrX:153,508,252, T>C. VCF-style: chrX-153508252-T-C. GRCh37 (hg19) VCF-style: chrX-152773710-T-C.
Other names: short protein forms V305A.
Identifiers: ClinVar variation 3480535 (VCV003480535.1).

ClinVar aggregate classification (germline): Uncertain significance (1 of 4 stars; one submission).

Conditions:
Cardiovascular phenotype. Identifiers: MedGen CN230736.

Submission:

Ambry Genetics
Classification: Uncertain significance for Cardiovascular phenotype. Last evaluated: 2024-10-30. Review status: criteria provided, single submitter. Criteria: Ambry Variant Classification Scheme 2023. Collection method: clinical testing. Allele origin: germline.
Comment: The p.V305A variant (also known as c.914T>C), located in coding exon 7 of the BGN gene, results from a T to C substitution at nucleotide position 914. The valine at codon 305 is replaced by alanine, an amino acid with similar properties. This amino acid position is conserved. In addition, this alteration is predicted to be tolerated by in silico analysis. Based on the available evidence, the clinical significance of this variant remains unclear.